The following is an entry in ClinVar:

NM_001127671.2(LIFR):c.3166T>C (p.Ser1056Pro)

Gene: LIFR (LIF receptor subunit alpha; minus strand). Cytogenetic location: 5p13.1.
Variant type: single nucleotide variant.
Coding change: c.3166T>C on transcript NM_001127671.2 (MANE Select); coding-DNA position 3166, T replaced by C.
Protein change: p.Ser1056Pro; replaces serine 1056 with proline.
Molecular consequence: missense variant.
Genome position (GRCh38, 1-based): chr5:38,481,723, A>G on the plus strand (T>C on the coding strand, the complement: LIFR is on the minus strand). VCF-style: chr5-38481723-A-G. GRCh37 (hg19) VCF-style: chr5-38481825-A-G.
Other names: c.3166T>C, p.Ser1056Pro (NM_001364297.2, NM_002310.6); c.3133T>C, p.Ser1045Pro (NM_001364298.2); short protein forms S1056P, S1045P.
Identifiers: ClinVar variation 2150048 (VCV002150048.2), dbSNP rs377647437, ClinGen allele CA3242491.

ClinVar aggregate classification (germline): Uncertain significance. Review status: criteria provided, multiple submitters, no conflicts (2 of 4 stars). 2 submissions from 2 submitters: Uncertain significance (2). Last evaluated 2024-04-04.

Conditions:
Stüve-Wiedemann syndrome 1. Also called: STUVE-WIEDEMANN/SCHWARTZ-JAMPEL TYPE 2 SYNDROME. Identifiers: Orphanet 3206, MedGen C5676888, MONDO:0800043, OMIM 601559.

Allele frequency attached by ClinVar (database versions not stated): gnomAD exomes 0.00001; ExAC 0.00006; gnomAD 0.00009; TOPMed 0.00012; ESP Exome Variant Server 0.00031.
gnomAD v4.1: 27 of 1,614,076 alleles (0.0017%); highest among the groups gnomAD compares: African/African-American, 0.033%; no homozygotes.

Submissions (2):

Fulgent Genetics
Classification: Uncertain significance for Stüve-Wiedemann syndrome 1. Last evaluated: 2024-04-04. Review status: criteria provided, single submitter. Criteria: ACMG Guidelines, 2015. Collection method: clinical testing. Allele origin: germline.

Labcorp Genetics (formerly Invitae), Labcorp
Classification: Uncertain significance. Last evaluated: 2021-08-28. Review status: criteria provided, single submitter. Criteria: Invitae Variant Classification Sherloc (09022015). Collection method: clinical testing. Allele origin: germline.
Comment: This sequence change replaces serine with proline at codon 1056 of the LIFR protein (p.Ser1056Pro). The serine residue is highly conserved and there is a moderate physicochemical difference between serine and proline. This variant is present in population databases (rs377647437, ExAC 0.07%). This variant has not been reported in the literature in individuals affected with LIFR-related conditions. Algorithms developed to predict the effect of missense changes on protein structure and function are either unavailable or do not agree on the potential impact of this missense change (SIFT: "Tolerated"; PolyPhen-2: "Probably Damaging"; Align-GVGD: "Class C0"). In summary, the available evidence is currently insufficient to determine the role of this variant in disease. Therefore, it has been classified as a Variant of Uncertain Significance.